The following is an entry in ClinVar:

NM_001005273.3(CHD3):c.5113C>T (p.Pro1705Ser)

Gene: CHD3 (chromodomain helicase DNA binding protein 3; plus strand). Cytogenetic location: 17p13.1.
Variant type: single nucleotide variant.
Coding change: c.5113C>T on transcript NM_001005273.3 (MANE Select); coding-DNA position 5113, C replaced by T.
Protein change: p.Pro1705Ser; replaces proline 1705 with serine.
Molecular consequence: missense variant.
Genome position (GRCh38, 1-based): chr17:7,907,980, C>T. VCF-style: chr17-7907980-C-T. GRCh37 (hg19) VCF-style: chr17-7811298-C-T.
Other names: c.5290C>T, p.Pro1764Ser (NM_001005271.3); c.5011C>T, p.Pro1671Ser (NM_005852.4); short protein forms P1671S, P1705S, P1764S.
Identifiers: ClinVar variation 2429403 (VCV002429403.3), dbSNP rs778182369, ClinGen allele CA397948493.

ClinVar aggregate classification (germline): Uncertain significance (1 of 4 stars; one submission).

Submission:

Illumina Laboratory Services, Illumina
Classification: Uncertain significance. Last evaluated: 2022-10-03. Review status: criteria provided, single submitter. Criteria: ICSL CNVClassificationCriteria Aug2020. Collection method: clinical testing. Allele origin: unknown. Affected: yes.
Comment: The CHD3 c.5290C>T (p.Pro1764Ser) missense variant results in the substitution of proline at amino acid position 1764 with serine. To our knowledge, this variant has not been reported in the peer-reviewed literature. This variant is not found in version 2.1.1 or 3.1.2 of the Genome Aggregation Database. Based on the available evidence, the c.5290C>T (p.Pro1764Ser) variant is classified as a variant of uncertain significance for Snijders Blok-Campeau syndrome.